The following is an entry in ClinVar:

NM_053025.4(MYLK):c.65C>T (p.Ser22Leu)

Gene: MYLK (myosin light chain kinase; minus strand). Cytogenetic location: 3q21.1.
Variant type: single nucleotide variant.
Coding change: c.65C>T on transcript NM_053025.4 (MANE Select); coding-DNA position 65, C replaced by T.
Protein change: p.Ser22Leu; replaces serine 22 with leucine.
Molecular consequence: missense variant. On other transcripts: 5 prime UTR variant (1).
Genome position (GRCh38, 1-based): chr3:123,793,777, G>A on the plus strand (C>T on the coding strand, the complement: MYLK is on the minus strand). VCF-style: chr3-123793777-G-A. GRCh37 (hg19) VCF-style: chr3-123512624-G-A.
Other names: c.-256C>T (NM_001321309.2); c.65C>T, p.Ser22Leu (NM_053026.4, NM_053027.4, NM_053028.4); short protein forms S22L.
Identifiers: ClinVar variation 2739035 (VCV002739035.3), dbSNP rs1402959688, ClinGen allele CA354236741.

ClinVar aggregate classification (germline): Uncertain significance (1 of 4 stars; one submission).

Conditions:
Aortic aneurysm, familial thoracic 7 (AAT7). Also called: AORTIC DISSECTION, FAMILIAL, WITH OR WITHOUT AORTIC ANEURYSM. Identifiers: MedGen C3151077, MONDO:0013418, OMIM 613780.

Allele frequency attached by ClinVar (database versions not stated): gnomAD exomes below 0.00001.
gnomAD v4.1: 3 of 1,613,946 alleles (0.00019%); highest among the groups gnomAD compares: Admixed American, 0.0017%; no homozygotes.

Submission:

Labcorp Genetics (formerly Invitae), Labcorp
Classification: Uncertain significance for Aortic aneurysm, familial thoracic 7. Last evaluated: 2023-10-13. Review status: criteria provided, single submitter. Criteria: Invitae Variant Classification Sherloc (09022015). Collection method: clinical testing. Allele origin: germline.
Comment: This sequence change replaces serine, which is neutral and polar, with leucine, which is neutral and non-polar, at codon 22 of the MYLK protein (p.Ser22Leu). This variant is present in population databases (no rsID available, gnomAD 0.003%). This variant has not been reported in the literature in individuals affected with MYLK-related conditions. Advanced modeling of protein sequence and biophysical properties (such as structural, functional, and spatial information, amino acid conservation, physicochemical variation, residue mobility, and thermodynamic stability) performed at Invitae indicates that this missense variant is not expected to disrupt MYLK protein function. In summary, the available evidence is currently insufficient to determine the role of this variant in disease. Therefore, it has been classified as a Variant of Uncertain Significance.